The following is an entry in ClinVar:

NM_001081.4(CUBN):c.6125-2A>G

Gene: CUBN (cubilin; minus strand). Cytogenetic location: 10p13.
Variant type: single nucleotide variant.
Coding change: c.6125-2A>G on transcript NM_001081.4 (MANE Select); the canonical splice acceptor site of the intron before coding-DNA position 6125, A replaced by G.
Molecular consequence: splice acceptor variant.
Genome position (GRCh38, 1-based): chr10:16,928,305, T>C on the plus strand (A>G on the coding strand, the complement: CUBN is on the minus strand). VCF-style: chr10-16928305-T-C. GRCh37 (hg19) VCF-style: chr10-16970304-T-C.
Identifiers: ClinVar variation 392184 (VCV000392184.25), dbSNP rs75386064, ClinGen allele CA5423789.
Genomic context (GRCh38, chr10:16,928,305, plus strand): 5'-GGGCCCAGGGATCTCTCTGCCACAGAGAACTGCTAGCTGCTGGGCCAAGTTATTATCTCC[T>C]ACGTTGAAAGAAAGGGAACAACATGAAAATACATCTTGAGAATCTACTCTACAATCATTT-3'

ClinVar aggregate classification (germline): Conflicting classifications of pathogenicity. Review status: criteria provided, conflicting classifications (1 of 4 stars). 9 submissions from 9 submitters: Likely pathogenic (1); Uncertain significance (6). 2 of the submissions do not count toward it. Last evaluated 2026-01-14.

Conditions:
Proteinuria, chronic benign. Identifiers: MedGen C5394384, MONDO:0030042, OMIM 618884.
CUBN-related disorder. Also called: CUBN-related condition.
Imerslund-Grasbeck syndrome type 1 (IGS1). Also called: Megaloblastic anemia 1, Finnish type; MEGALOBLASTIC ANEMIA, 1; Imerslund-Gräsbeck syndrome 1. Identifiers: MedGen C4016819, MONDO:0100156, OMIM 261100.
Imerslund-Grasbeck syndrome. Also called: PERNICIOUS ANEMIA, JUVENILE, DUE TO SELECTIVE INTESTINAL MALABSORPTION OF VITAMIN B12, WITH PROTEINURIA; Megaloblastic anemia due to inborn errors of metabolism; ENTEROCYTE COBALAMIN MALABSORPTION; ENTEROCYTE INTRINSIC FACTOR RECEPTOR, DEFECT OF; Imerslund-Gräsbeck syndrome. Identifiers: Orphanet 35858, MedGen C4551825, MONDO:0009853.

Allele frequency attached by ClinVar (database versions not stated): gnomAD exomes 0.00027 and 0.00062; ExAC 0.00081; ESP Exome Variant Server 0.00215; gnomAD 0.00218 and 0.00226; TOPMed 0.00222; 1000 Genomes Project 0.00339; 1000 Genomes Project 30x 0.00359.
gnomAD v4.1: 742 of 1,613,652 alleles (0.046%); highest among the groups gnomAD compares: African/African-American, 0.71%; 3 homozygotes.

Submissions (12):

GeneDx
Classification: Uncertain significance. Last evaluated: 2026-01-14. Review status: criteria provided, single submitter. Criteria: GeneDx Variant Classification Process June 2021. Collection method: clinical testing. Allele origin: germline. Affected: yes.
Comment: Canonical splice site variant predicted to result in an in-frame loss of the adjacent exon in a gene for which loss of function is a known mechanism of disease; This variant is associated with the following publications: (PMID: 34426522, 38532509, 31613795, 31275557)

Labcorp Genetics (formerly Invitae), Labcorp
Classification: Uncertain significance for Imerslund-Grasbeck syndrome. Last evaluated: 2025-10-29. Review status: criteria provided, single submitter. Criteria: Invitae Variant Classification Sherloc (09022015). Collection method: clinical testing. Allele origin: germline.
Comment: This sequence change affects an acceptor splice site in intron 40 of the CUBN gene. However, it is currently unclear if variants that occur in this region of the gene cause disease. This variant is present in population databases (rs75386064, gnomAD 0.7%), and has an allele count higher than expected for a pathogenic variant. Disruption of this splice site has been observed in individual(s) with clinical features of chronic proteinuria and normal renal function (PMID: 31613795). ClinVar contains an entry for this variant (Variation ID: 392184). Algorithms developed to predict the effect of sequence changes on RNA splicing suggest that this variant may disrupt the consensus splice site. In summary, the available evidence is currently insufficient to determine the role of this variant in disease. Therefore, it has been classified as a Variant of Uncertain Significance.

PreventionGenetics, part of Exact Sciences
Classification: Uncertain significance for CUBN-related condition. Last evaluated: 2025-07-09. Review status: criteria provided, single submitter. Criteria: ACMG Guidelines, 2015. Collection method: clinical testing. Allele origin: germline.
Comment: The CUBN c.6125-2A>G variant is predicted to disrupt the AG splice acceptor site and interfere with normal splicing. This variant has been reported in the homozygous and compound heterozygous states in multiple individuals with kidney disease and chronic proteinuria (Bedin et al. 2020. PubMed ID: 31613795). This variant is reported in 0.69% of alleles in individuals of African descent in gnomAD, including one homozygous observation. Other loss of function and canonical splice variants have been reported as causative both up and downstream of this change; however, these all have significantly lower frequencies in the gnomAD population. Although we suspect that this variant may be pathogenic, at this time, the clinical significance of this variant is uncertain due to the absence of conclusive functional and genetic evidence.

3billion
Classification: Uncertain significance for Imerslund-Grasbeck syndrome type 1. Last evaluated: 2025-03-14. Review status: criteria provided, single submitter. Criteria: ACMG Guidelines, 2015. Collection method: clinical testing. Allele origin: germline. Affected: yes.

Blueprint Genetics
Classification: Uncertain significance. Last evaluated: 2024-11-26. Review status: criteria provided, single submitter. Criteria: ACMG Guidelines, 2015. Collection method: clinical testing. Allele origin: germline.

Mayo Clinic Laboratories, Mayo Clinic
Classification: Uncertain significance. Last evaluated: 2024-09-11. Review status: criteria provided, single submitter. Criteria: ACMG Guidelines, 2015. Collection method: clinical testing. Allele origin: germline. Observed: 1 variant allele.
Comment: BS1, PVS1_moderate

MVZ Medizinische Genetik Mainz
Classification: Likely pathogenic for Proteinuria, chronic benign. Last evaluated: 2024-06-14. Review status: criteria provided, single submitter. Criteria: UK Practice Guidelines For Variant Classification V4 01 2020. Collection method: clinical testing. Allele origin: germline. Inheritance: Autosomal recessive inheritance. Affected: yes. Observed: 1 variant allele.
Comment: ACMG Criteria: PVS1_STR,PM3_STR,PM1_SUP,PP4,BS1_SUP

Bioscientia Institut fuer Medizinische Diagnostik GmbH, Sonic Healthcare
Classification: Uncertain significance for Imerslund-Grasbeck syndrome type 1. Last evaluated: 2024-04-10. Review status: no assertion criteria provided. Collection method: clinical testing. Allele origin: germline. Affected: yes. Not counted in ClinVar's aggregate classification.

Dr. Peter K. Rogan Lab, Western University
No classification provided (evidence only). Condition: Clear cell carcinoma of kidney. Review status: no classification provided. Collection method: in vitro. Allele origin: not applicable. Functional consequence: skipped exon. Not counted in ClinVar's aggregate classification.

Dr. Peter K. Rogan Lab, Western University
No classification provided (evidence only). Condition: Clear cell carcinoma of kidney. Review status: no classification provided. Collection method: in vitro. Allele origin: not applicable. Functional consequence: skipped exon, retained intron. Not counted in ClinVar's aggregate classification.

Dr. Peter K. Rogan Lab, Western University
No classification provided (evidence only). Condition: Sarcoma. Review status: no classification provided. Collection method: in vitro. Allele origin: not applicable. Functional consequence: skipped exon, retained intron. Not counted in ClinVar's aggregate classification.

Fulgent Genetics
Classification: Likely pathogenic for Imerslund-Grasbeck syndrome type 1; Proteinuria, chronic benign. Last evaluated: 2024-05-30. Review status: flagged submission. Criteria: ACMG Guidelines, 2015. Collection method: clinical testing. Allele origin: germline. Not counted in ClinVar's aggregate classification.
ClinVar note: Reason: Outlier claim with insufficient supporting evidence

Literature cited by the submitters: PubMed 31613795 (cited by 3 submitters); PubMed 34426522 (cited by Mayo Clinic Laboratories, Mayo Clinic).